The following continues an entry in ClinVar:

NM_000455.5(STK11):c.1211C>T (p.Ser404Phe)

Gene: STK11. ClinVar aggregate classification (germline): Conflicting classifications of pathogenicity. Uncertain significance (6); Benign (6); Likely benign (14).

Submissions 23 to 33 of 33:

Women's Health and Genetics/Laboratory Corporation of America, LabCorp
Classification: Benign. Last evaluated: 2017-07-06. Review status: criteria provided, single submitter. Criteria: LabCorp Variant Classification Summary - May 2015. Collection method: clinical testing. Allele origin: germline.
Comment: Variant summary: The variant of interest, c.1211C>T (p.Ser404Phe) alters a conserved nucleotide with 2/4 in silico programs (SNPs&GO not captured here due to low reliability index), although these predictions have yet to be functionally assessed. The variant of interest was observed in a large, broad control datasets of ExAC and gnomAD with an allele frequency of 0.0009281 and 0.0004314 (52/56030 and 106/245718 chrs tested, respectively). These frequencies are significantly greater than the maximum expected allele frequency for a pathogenic STK11 variant of 0.0000063, therefore suggesting the variant of interest is benign. The variant of interest has been reported in multiple affected individuals with varying phenotypic information, including in probands from two unrelated families, where a known pathogenic variants were proven to be causative and segregated with desiase in affected family members (Yurgelun, 2017; Jalth, 2017). In aaddition, multiple clinical labs have classified this variant as "likely benign". Taking together, the variant of interest has been classified as Benign.

Laboratory for Molecular Medicine, Mass General Brigham Personalized Medicine
Classification: Uncertain significance. Last evaluated: 2016-12-02. Review status: criteria provided, single submitter. Criteria: LMM Criteria. Collection method: clinical testing. Allele origin: germline.
Comment: Variant identified in a genome or exome case(s) and assessed due to predicted null impact of the variant or pathogenic assertions in the literature or databases. Disclaimer: This variant has not undergone full assessment. The following are preliminary notes: This variant is present in ExAC with a MaxMAF of 0.160% (49 European alleles) and 0.08% in gnomAD (90 European alleles - too high for disease prevalence - highest estimates are 1/60,000). It is classified in ClinVar with 2 stars as Likely benign by 3 submitters (Invitae, Ambry, GeneDx). It has been reported in HGMD in 1 patient with Peutz-Jeghers syndrome and one with renal cell carcinoma. The amino acid is not conserved but no species have a Phe at this position.

Color Diagnostics, LLC DBA Color Health
Classification: Likely benign for Hereditary cancer-predisposing syndrome. Last evaluated: 2015-11-10. Review status: criteria provided, single submitter. Criteria: ACMG Guidelines, 2015. Collection method: clinical testing. Allele origin: germline.

Eurofins Ntd Llc (ga)
Classification: Uncertain significance. Last evaluated: 2015-10-28. Review status: criteria provided, single submitter. Criteria: EGL Classification Definitions 2015. Collection method: clinical testing. Allele origin: germline. Observed: 6 variant alleles, 6 heterozygotes.

PreventionGenetics, part of Exact Sciences
Classification: Likely benign for STK11-related condition. Last evaluated: 2024-05-31. Review status: no assertion criteria provided. Collection method: clinical testing. Allele origin: germline. Not counted in ClinVar's aggregate classification.
Comment: This variant is classified as likely benign based on ACMG/AMP sequence variant interpretation guidelines (Richards et al. 2015 PMID: 25741868, with internal and published modifications).

Counsyl
Classification: Uncertain significance for Peutz-Jeghers syndrome. Last evaluated: 2018-02-20. Review status: no assertion criteria provided. Collection method: clinical testing. Allele origin: unknown. Not counted in ClinVar's aggregate classification.

Center of Medical Genetics and Primary Health Care
Classification: Benign for Breast Cancer. Review status: no assertion criteria provided. Collection method: clinical testing. Allele origin: germline. Affected: yes. Not counted in ClinVar's aggregate classification.

Clinical Genetics, Academic Medical Center
Classification: Likely benign. Review status: no assertion criteria provided. Collection method: clinical testing. Allele origin: germline. Affected: yes. Study: VKGL Data-share Consensus. Not counted in ClinVar's aggregate classification.

Department of Pathology and Laboratory Medicine, Sinai Health System
Classification: Likely benign. Review status: no assertion criteria provided. Collection method: clinical testing. Allele origin: unknown. Affected: yes. Study: The Canadian Open Genetics Repository (COGR). Not counted in ClinVar's aggregate classification.
Comment: The STK11 p.Ser404Phe variant was identified in 7 of 3890 proband chromosomes (frequency: 0.002) from Lebanese, German, and American individuals or families with breast cancer, hereditary breast cancer, CRC, or Lynch syndrome (Jalkh 2017, Tung 2016, Kraus 2014, Yurgelun 2015). In 1 proband with 3 family members diagnosed with breast cancer, exome sequencing identified the variant co-occurring with 2 other disease-causing mutations (BRCA1 c.G131T, p.C44F and SLX4 c.G421T, p.G141W) (Jalkh 2017). The variant was also identified in dbSNP (ID: rs200078204) â€šÃ„ÃºWith other alleleâ€šÃ„Ã¹, ClinVar (6x as likely benign by GeneDx, Ambry Genetics, Invitae, Illumina, Color Genomics and Quest Diagnostics Nichols Institute San Juan Capistrano and 2x as uncertain significance by EGL Genetic Diagnostics and Laboratory for Molecular Medicine), and LOVD 3.0 (2x). The variant was not identified in Cosmic, MutDB,Zhejiang Colon Cancer Database, and Insight Hereditary Tumors Database. The variant was identified in control databases in 106 of 245718 chromosomes at a frequency of 0.0004 increasing the likelihood this could be a low frequency benign variant (Genome Aggregation Database Feb 27, 2017). The variant was seen in the following populations: African in 4 of 20584 chromosomes (freq: 0.0002), Other in 3 of 5868 chromosomes (freq: 0.0005), Latino in 7 of 32154 chromosomes (freq: 0.0002), European Non-Finnish in 89 of 109936 chromosomes (freq: 0.0008), and South Asian in 3 of 27996 chromosomes (freq: 0.0001); it was not observed in the Ashkenazi Jewish, East Asian or Finnish populations. The p.Ser404Phe residue is not conserved in mammals and four out of five computational analyses (PolyPhen-2, SIFT, AlignGVGD, BLOSUM, MutationTaster) do not suggest a high likelihood of impact to the protein; however, this information is not predictive enough to rule out pathogenicity. The variant occurs outside of the splicing consensus sequence and in silico or computational prediction software programs (SpliceSiteFinder, MaxEntScan, NNSPLICE, GeneSplicer, HumanSpliceFinder) do not predict a difference in splicing. In summary, based on the above information the clinical significance of this variant cannot be determined with certainty at this time although we would lean towards a more benign role for this variant. This variant is classified as likely benign.

Genome Diagnostics Laboratory, Amsterdam University Medical Center
Classification: Likely benign. Review status: no assertion criteria provided. Collection method: clinical testing. Allele origin: germline. Affected: yes. Study: VKGL Data-share Consensus. Not counted in ClinVar's aggregate classification.

Joint Genome Diagnostic Labs from Nijmegen and Maastricht, Radboudumc and MUMC+
Classification: Benign. Review status: no assertion criteria provided. Collection method: clinical testing. Allele origin: germline. Affected: yes. Study: VKGL Data-share Consensus. Not counted in ClinVar's aggregate classification.

Literature cited by the submitters: PubMed 23993471 (cited by 3 submitters); PubMed 28135145 (cited by 3 submitters); PubMed 26976419 (cited by 3 submitters); PubMed 25980754 (cited by 4 submitters); PubMed 25142776 (cited by 4 submitters); PubMed 28202063 (cited by 3 submitters); PubMed 25179843 (cited by 4 submitters); PubMed 28873162 (cited by Quest Diagnostics Nichols Institute San Juan Capistrano and Counsyl); PubMed 27443514 (cited by Quest Diagnostics Nichols Institute San Juan Capistrano and Women's Health and Genetics/Laboratory Corporation of America, LabCorp); PubMed 24830819 (cited by 3 submitters); PubMed 23555315 (cited by Quest Diagnostics Nichols Institute San Juan Capistrano and Counsyl); PubMed 25473901 (cited by Quest Diagnostics Nichols Institute San Juan Capistrano); PubMed 28821472 (cited by Quest Diagnostics Nichols Institute San Juan Capistrano); PubMed 25186627 (cited by Counsyl); PubMed 26928227 (cited by Counsyl); PubMed 27621404 (cited by Counsyl); PubMed 26898890 (cited by Counsyl).